The following is an entry in ClinVar:

ClinVar aggregate classification (germline): Uncertain significance (1 of 4 stars; one submission).

Conditions:
Hypomagnesemia, seizures, and impaired intellectual development 2. Also called: Hypomagnesemia, seizures, and intellectual disability 2. Identifiers: MedGen C5193023, MONDO:0020788, OMIM 618314.

Submission:

MVZ Medizinische Genetik Mainz
Classification: Uncertain significance for Hypomagnesemia, seizures, and impaired intellectual development 2. Last evaluated: 2025-01-31. Review status: criteria provided, single submitter. Criteria: UK Practice Guidelines For Variant Classification V4 01 2020. Collection method: clinical testing. Allele origin: germline. Inheritance: Autosomal dominant inheritance. Affected: yes. Observed: 1 variant allele.
Comment: ACMG Criteria: PP3_STR,PM2_SUP

NM_000701.8(ATP1A1):c.2305T>G (p.Phe769Val)

Genes: ATP1A1 (ATPase Na+/K+ transporting subunit alpha 1; plus strand), ATP1A1-AS1 (ATP1A1 antisense RNA 1; minus strand). Cytogenetic location: 1p13.1.
Variant type: single nucleotide variant.
Coding change: c.2305T>G on transcript NM_000701.8 (MANE Select); coding-DNA position 2305, T replaced by G.
Protein change: p.Phe769Val; replaces phenylalanine 769 with valine.
Molecular consequence: missense variant.
Genome position (GRCh38, 1-based): chr1:116,398,941, T>G. VCF-style: chr1-116398941-T-G. GRCh37 (hg19) VCF-style: chr1-116941563-T-G.
Other names: c.2305T>G, p.Phe769Val (NM_001160233.2); c.2212T>G, p.Phe738Val (NM_001160234.2); short protein forms F738V, F769V.
Identifiers: ClinVar variation 3774566 (VCV003774566.1).